The following is an entry in ClinVar:

NM_000055.4(BCHE):c.155C>T (p.Thr52Met)

Gene: BCHE (butyrylcholinesterase; minus strand). Cytogenetic location: 3q26.1.
Variant type: single nucleotide variant.
Coding change: c.155C>T on transcript NM_000055.4 (MANE Select); coding-DNA position 155, C replaced by T.
Protein change: p.Thr52Met; replaces threonine 52 with methionine.
Molecular consequence: missense variant. On other transcripts: non-coding transcript variant (1).
Genome position (GRCh38, 1-based): chr3:165,830,879, G>A on the plus strand (C>T on the coding strand, the complement: BCHE is on the minus strand). VCF-style: chr3-165830879-G-A. GRCh37 (hg19) VCF-style: chr3-165548667-G-A.
Other names: short protein forms T52M.
Identifiers: ClinVar variation 550834 (VCV000550834.8), dbSNP rs56309853, ClinGen allele CA2692560.

ClinVar aggregate classification (germline): Uncertain significance. Review status: criteria provided, multiple submitters, no conflicts (2 of 4 stars). 3 submissions from 3 submitters: Uncertain significance (2). 1 of the submissions does not count toward it. Last evaluated 2023-05-05.

Conditions:
Deficiency of butyrylcholinesterase (BCHED). Also called: Deficiency of butyrylcholine esterase; Acholinesterasemia; BCHE, silent 1; Butyrylcholinesterase deficiency. Identifiers: Orphanet 132, MedGen C1283400, MONDO:0015270, OMIM 617936.

Allele frequency attached by ClinVar (database versions not stated): TOPMed 0.00015; gnomAD 0.00024 and 0.00025; 1000 Genomes Project 30x 0.00031; ESP Exome Variant Server 0.00031; 1000 Genomes Project 0.00040.
gnomAD v4.1: 566 of 1,613,890 alleles (0.035%); highest among the groups gnomAD compares: Non-Finnish European, 0.045%; 1 homozygote.

Submissions (3):

Women's Health and Genetics/Laboratory Corporation of America, LabCorp
Classification: Uncertain significance. Last evaluated: 2023-05-05. Review status: criteria provided, single submitter. Criteria: LabCorp Variant Classification Summary - May 2015. Collection method: clinical testing. Allele origin: germline.
Comment: Variant summary: BCHE c.155C>T (p.Thr52Met) results in a non-conservative amino acid change located in the Carboxylesterase, type B domain (IPR002018) of the encoded protein sequence. Three of five in-silico tools predict a damaging effect of the variant on protein function. The variant allele was found at a frequency of 0.00017 in 251192 control chromosomes (gnomAD). This frequency is not significantly higher than estimated for a pathogenic variant in BCHE causing Deficiency Of Butyrylcholine Esterase (0.00017 vs 0.016), allowing no conclusion about variant significance. c.155C>T has been reported in the literature as a non-informative (second allele not specified) genotype in at-least two individuals in affected with diminished activity of serum Of Butyrylcholine Esterase in whom hepatic dysfunction was reportedly ruled out (example, Maekawa_1997, subsequently cited by others, example, Brazzolotto_2021). The following publications have been ascertained in the context of this evaluation (PMID: 33024248, 12724618, 9191541, 15781196). Two clinical diagnostic laboratories have submitted clinical-significance assessments for this variant to ClinVar after 2014 and classified the variant as uncertain significance. Based on the evidence outlined above, the variant was classified as uncertain significance.

Illumina Laboratory Services, Illumina
Classification: Uncertain significance for Deficiency of butyrylcholinesterase. Last evaluated: 2017-04-27. Review status: criteria provided, single submitter. Criteria: ICSL Variant Classification Criteria 13 December 2019. Collection method: clinical testing. Allele origin: germline.
Comment: This variant was observed as part of a predisposition screen in an ostensibly healthy population. A literature search was performed for the gene, cDNA change, and amino acid change (where applicable). Publications were found based on this search. However, the evidence from the literature, in combination with allele frequency data from public databases where available, was not sufficient to rule this variant in or out of causing disease. Therefore, this variant is classified as a variant of unknown significance.

Counsyl
Classification: Uncertain significance for Deficiency of butyrylcholinesterase. Last evaluated: 2017-02-23. Review status: no assertion criteria provided. Collection method: clinical testing. Allele origin: unknown. Not counted in ClinVar's aggregate classification.

Literature cited by the submitters: PubMed 12724618 (cited by Women's Health and Genetics/Laboratory Corporation of America, LabCorp and Illumina Laboratory Services, Illumina); PubMed 9191541 (cited by 3 submitters); PubMed 15781196 (cited by Women's Health and Genetics/Laboratory Corporation of America, LabCorp and Illumina Laboratory Services, Illumina); PubMed 33024248 (cited by Women's Health and Genetics/Laboratory Corporation of America, LabCorp); PubMed 12417112 (cited by Illumina Laboratory Services, Illumina).